The following is an entry in ClinVar:

ClinVar aggregate classification (germline): Uncertain significance (1 of 4 stars; one submission).

Conditions:
Cone-rod dystrophy. Also called: Cone-rod degeneration; Cone/cone-rod dystrophy. Identifiers: Orphanet 1872, MedGen C4085590, MONDO:0015993, HP:0000548.

gnomAD v4.1: 4 of 1,614,088 alleles (0.00025%); no homozygotes.

Submission:

Lab De Baere, Eye and Developmental Genetics Lab, Ghent University
Classification: Uncertain significance for Cone-rod dystrophy. Last evaluated: 2024-10-01. Review status: criteria provided, single submitter. Criteria: ACMG Guidelines, 2015. Collection method: research. Allele origin: inherited. Affected: yes. Observed: 1 variant allele.
Comment: ACMG/AMP guidelines: PM2, BP4

NM_000350.3(ABCA4):c.5619C>G (p.Asp1873Glu)

Gene: ABCA4 (ATP binding cassette subfamily A member 4; minus strand). Cytogenetic location: 1p22.1.
Variant type: single nucleotide variant.
Coding change: c.5619C>G on transcript NM_000350.3 (MANE Select); coding-DNA position 5619, C replaced by G.
Protein change: p.Asp1873Glu; replaces aspartic acid 1873 with glutamic acid.
Molecular consequence: missense variant.
Genome position (GRCh38, 1-based): chr1:94,010,895, G>C on the plus strand (C>G on the coding strand, the complement: ABCA4 is on the minus strand). VCF-style: chr1-94010895-G-C. GRCh37 (hg19) VCF-style: chr1-94476451-G-C.
Other names: c.5397C>G, p.Asp1799Glu (NM_001425324.1); short protein forms D1799E, D1873E.
Identifiers: ClinVar variation 3544442 (VCV003544442.1).
Genomic context (GRCh38, chr1:94,010,895, plus strand): 5'-GGTCAGGAGGAAGTACACCACCCCTTCCACCACCATGGCAAACAGGTTCTTCCCAATCAG[G>C]TCCCAGTGGAACGGATTTGCAGAGTGCTCCTCACCTGGGCATCAACAGGAATTGAGTCCA-3'
Protein context (NP_000341.2, residues 1863-1883): EEHSANPFHW[Asp1873Glu]LIGKNLFAMV